The following is an entry in ClinVar:

ClinVar aggregate classification (germline): Uncertain significance (1 of 4 stars; one submission).

Conditions:
KIDINS220-related disorder. Also called: KIDINS220-related condition.

gnomAD v4.1: 1 of 1,614,228 alleles (0.000062%); highest among the groups gnomAD compares: Non-Finnish European, 0.000085%; no homozygotes.

Submission:

PreventionGenetics, part of Exact Sciences
Classification: Uncertain significance for KIDINS220-related condition. Last evaluated: 2026-03-04. Review status: criteria provided, single submitter. Criteria: ACMG Guidelines, 2015. Collection method: clinical testing. Allele origin: germline.
Comment: The KIDINS220 c.4511A>G variant is predicted to result in the amino acid substitution p.Gln1504Arg. To our knowledge, this variant has not been reported in the literature or in a large population database (gnomAD), indicating this variant is rare. At this time, the clinical significance of this variant is uncertain due to the absence of conclusive functional and genetic evidence.

NM_020738.4(KIDINS220):c.4511A>G (p.Gln1504Arg)

Gene: KIDINS220 (kinase D interacting substrate 220; minus strand). Cytogenetic location: 2p25.1.
Variant type: single nucleotide variant.
Coding change: c.4511A>G on transcript NM_020738.4 (MANE Select); coding-DNA position 4511, A replaced by G.
Protein change: p.Gln1504Arg; replaces glutamine 1504 with arginine.
Molecular consequence: missense variant. On other transcripts: intron variant (6).
Genome position (GRCh38, 1-based): chr2:8,731,525, T>C on the plus strand (A>G on the coding strand, the complement: KIDINS220 is on the minus strand). VCF-style: chr2-8731525-T-C. GRCh37 (hg19) VCF-style: chr2-8871655-T-C.
Other names: c.4514A>G, p.Gln1505Arg (NM_001348729.2); c.4457A>G, p.Gln1486Arg (NM_001348731.2); c.4454A>G, p.Gln1485Arg (NM_001348732.2); c.4343A>G, p.Gln1448Arg (NM_001348734.2); c.4340A>G, p.Gln1447Arg (NM_001348735.2); c.4214A>G, p.Gln1405Arg (NM_001348736.2); c.3882+1919A>G (NM_001348741.2, NM_001348742.2, NM_001348743.2); c.3996+1919A>G (NM_001348738.2); and 1 more; short protein forms Q1485R, Q1505R, Q1405R, Q1504R, Q1447R, Q1448R, Q1486R.
Identifiers: ClinVar variation 4997198 (VCV004997198.1).